The following is an entry in ClinVar:

ClinVar aggregate classification (germline): Uncertain significance (1 of 4 stars; one submission).

gnomAD v4.1: 8 of 1,612,432 alleles (0.0005%); highest among the groups gnomAD compares: African/African-American, 0.0013%; no homozygotes.

Submission:

Ambry Genetics
Classification: Uncertain significance. Last evaluated: 2025-11-08. Review status: criteria provided, single submitter. Criteria: Ambry Variant Classification Scheme 2023. Collection method: clinical testing. Allele origin: germline.
Comment: The c.1169G>A (p.R390Q) alteration is located in exon 14 (coding exon 14) of the ABCD3 gene. This alteration results from a G to A substitution at nucleotide position 1169, causing the arginine (R) at amino acid position 390 to be replaced by a glutamine (Q). Based on data from gnomAD, the A allele has an overall frequency of <0.001% (1/250010) total alleles studied. The highest observed frequency was 0.001% (1/112922) of European (non-Finnish) alleles. Based on insufficient or conflicting evidence, the clinical significance of this alteration remains unclear.

NM_002858.4(ABCD3):c.1169G>A (p.Arg390Gln)

Gene: ABCD3 (ATP binding cassette subfamily D member 3; plus strand). Cytogenetic location: 1p21.3.
Variant type: single nucleotide variant.
Coding change: c.1169G>A on transcript NM_002858.4 (MANE Select); coding-DNA position 1169, G replaced by A.
Protein change: p.Arg390Gln; replaces arginine 390 with glutamine.
Molecular consequence: missense variant.
Genome position (GRCh38, 1-based): chr1:94,489,736, G>A. VCF-style: chr1-94489736-G-A. GRCh37 (hg19) VCF-style: chr1-94955292-G-A.
Other names: short protein forms R390Q.
Identifiers: ClinVar variation 4636240 (VCV004636240.1).